The following is an entry in ClinVar:

ClinVar aggregate classification (germline): Uncertain significance. Review status: criteria provided, multiple submitters, no conflicts (2 of 4 stars). 2 submissions from 2 submitters: Uncertain significance (2). Last evaluated 2024-11-28.

Conditions:
Inborn genetic diseases. Identifiers: MedGen C0950123, MeSH D030342.

Allele frequency attached by ClinVar (database versions not stated): TOPMed below 0.00001; gnomAD 0.00001; gnomAD exomes 0.00001.
gnomAD v4.1: 16 of 1,614,084 alleles (0.00099%); highest among the groups gnomAD compares: East Asian, 0.033%; no homozygotes.

Submissions (2):

Ambry Genetics
Classification: Uncertain significance for Inborn genetic diseases. Last evaluated: 2024-11-28. Review status: criteria provided, single submitter. Criteria: Ambry Variant Classification Scheme 2023. Collection method: clinical testing. Allele origin: germline.
Comment: The p.V108M variant (also known as c.322G>A), located in coding exon 5 of the ASXL1 gene, results from a G to A substitution at nucleotide position 322. The valine at codon 108 is replaced by methionine, an amino acid with highly similar properties. This amino acid position is conserved. In addition, this alteration is predicted to be tolerated by in silico analysis. Based on the available evidence, the clinical significance of this variant remains unclear.

Labcorp Genetics (formerly Invitae), Labcorp
Classification: Uncertain significance. Last evaluated: 2024-06-04. Review status: criteria provided, single submitter. Criteria: Invitae Variant Classification Sherloc (09022015). Collection method: clinical testing. Allele origin: germline.
Comment: This sequence change replaces valine, which is neutral and non-polar, with methionine, which is neutral and non-polar, at codon 108 of the ASXL1 protein (p.Val108Met). This variant is not present in population databases (gnomAD no frequency). This variant has not been reported in the literature in individuals affected with ASXL1-related conditions. ClinVar contains an entry for this variant (Variation ID: 2545441). An algorithm developed to predict the effect of missense changes on protein structure and function (PolyPhen-2) suggests that this variant is likely to be disruptive. In summary, the available evidence is currently insufficient to determine the role of this variant in disease. Therefore, it has been classified as a Variant of Uncertain Significance.

NM_015338.6(ASXL1):c.322G>A (p.Val108Met)

Gene: ASXL1 (ASXL transcriptional regulator 1; plus strand). Cytogenetic location: 20q11.21.
Variant type: single nucleotide variant.
Coding change: c.322G>A on transcript NM_015338.6 (MANE Select); coding-DNA position 322, G replaced by A.
Protein change: p.Val108Met; replaces valine 108 with methionine.
Molecular consequence: missense variant.
Genome position (GRCh38, 1-based): chr20:32,428,197, G>A. VCF-style: chr20-32428197-G-A. GRCh37 (hg19) VCF-style: chr20-31016000-G-A.
Other names: c.292G>A, p.Val98Met (NM_001363734.1); short protein forms V98M, V108M.
Identifiers: ClinVar variation 2545441 (VCV002545441.5), dbSNP rs1375139737, ClinGen allele CA408551526.